The following is an entry in ClinVar:

NM_004588.5(SCN2B):c.578C>G (p.Thr193Arg)

Gene: SCN2B (sodium voltage-gated channel beta subunit 2; minus strand). Cytogenetic location: 11q23.3.
Variant type: single nucleotide variant.
Coding change: c.578C>G on transcript NM_004588.5 (MANE Select); coding-DNA position 578, C replaced by G.
Protein change: p.Thr193Arg; replaces threonine 193 with arginine.
Molecular consequence: missense variant.
Genome position (GRCh38, 1-based): chr11:118,166,957, G>C on the plus strand (C>G on the coding strand, the complement: SCN2B is on the minus strand). VCF-style: chr11-118166957-G-C. GRCh37 (hg19) VCF-style: chr11-118037672-G-C.
Other names: short protein forms T193R.
Identifiers: ClinVar variation 408874 (VCV000408874.14), dbSNP rs115353159, ClinGen allele CA6300406.

ClinVar aggregate classification (germline): Conflicting classifications of pathogenicity. Review status: criteria provided, conflicting classifications (1 of 4 stars). 4 submissions from 4 submitters: Uncertain significance (3); Likely benign (1). Last evaluated 2025-10-13.

Conditions:
Atrial fibrillation, familial, 14 (ATFB14). Identifiers: MedGen C3809312, MONDO:0014156, OMIM 615378.
Cardiovascular phenotype. Identifiers: MedGen CN230736.

Allele frequency attached by ClinVar (database versions not stated): TOPMed 0.00007; ESP Exome Variant Server 0.00023.
gnomAD v4.1: 352 of 1,614,056 alleles (0.022%); highest among the groups gnomAD compares: Non-Finnish European, 0.029%; no homozygotes.

Submissions (4):

Labcorp Genetics (formerly Invitae), Labcorp
Classification: Uncertain significance for Atrial fibrillation, familial, 14. Last evaluated: 2025-10-13. Review status: criteria provided, single submitter. Criteria: Invitae Variant Classification Sherloc (09022015). Collection method: clinical testing. Allele origin: germline.
Comment: This sequence change replaces threonine, which is neutral and polar, with arginine, which is basic and polar, at codon 193 of the SCN2B protein (p.Thr193Arg). The frequency data for this variant in the population databases is considered unreliable, as metrics indicate poor data quality at this position in the gnomAD database. This variant has not been reported in the literature in individuals affected with SCN2B-related conditions. ClinVar contains an entry for this variant (Variation ID: 408874). An algorithm developed to predict the effect of missense changes on protein structure and function (PolyPhen-2) suggests that this variant is likely to be tolerated. In summary, the available evidence is currently insufficient to determine the role of this variant in disease. Therefore, it has been classified as a Variant of Uncertain Significance.

GeneDx
Classification: Uncertain significance. Last evaluated: 2024-02-27. Review status: criteria provided, single submitter. Criteria: GeneDx Variant Classification Process June 2021. Collection method: clinical testing. Allele origin: germline. Affected: yes.
Comment: Has not been previously published as pathogenic or benign to our knowledge; In silico analysis supports that this missense variant does not alter protein structure/function; Variants in candidate genes are classified as variants of uncertain significance in accordance with ACMG guidelines (PMID: 25741868)

Ambry Genetics
Classification: Likely benign for Cardiovascular phenotype. Last evaluated: 2022-08-17. Review status: criteria provided, single submitter. Criteria: Ambry Variant Classification Scheme 2023. Collection method: clinical testing. Allele origin: germline.

Fulgent Genetics
Classification: Uncertain significance for Atrial fibrillation, familial, 14. Last evaluated: 2021-08-20. Review status: criteria provided, single submitter. Criteria: ACMG Guidelines, 2015. Collection method: clinical testing. Allele origin: unknown.